The following is an entry in ClinVar:

ClinVar aggregate classification (germline): Uncertain significance. Review status: criteria provided, multiple submitters, no conflicts (2 of 4 stars). 6 submissions from 6 submitters: Uncertain significance (6). Last evaluated 2025-09-19.

Conditions:
Hereditary spastic paraplegia 5A (SPG5A). Also called: SPASTIC PARAPLEGIA 5A, AUTOSOMAL RECESSIVE. Identifiers: Orphanet 100986, MedGen C1849115, MONDO:0010047, OMIM 270800.
Inborn genetic diseases. Identifiers: MedGen C0950123, MeSH D030342.
Spastic paraplegia. Identifiers: MedGen C0037772, HP:0001258.

Allele frequency attached by ClinVar (database versions not stated): gnomAD exomes 0.00008 and 0.00025; gnomAD 0.00013 and 0.00014; TOPMed 0.00014.
gnomAD v4.1: 369 of 1,513,562 alleles (0.024%); highest among the groups gnomAD compares: Non-Finnish European, 0.03%; no homozygotes.

Submissions (6):

Athena Diagnostics
Classification: Uncertain significance. Last evaluated: 2025-09-19. Review status: criteria provided, single submitter. Criteria: Athena Diagnostics Criteria. Collection method: clinical testing. Allele origin: unknown.
Comment: Available data are insufficient to determine the clinical significance of the variant at this time. The frequency of this variant in the general population is uninformative in assessment of its pathogenicity. Polyphen and MutationTaster predict this amino acid change may be benign.

Ambry Genetics
Classification: Uncertain significance for Inborn genetic diseases. Last evaluated: 2025-08-30. Review status: criteria provided, single submitter. Criteria: Ambry Variant Classification Scheme 2023. Collection method: clinical testing. Allele origin: germline.

Blueprint Genetics
Classification: Uncertain significance. Last evaluated: 2024-08-08. Review status: criteria provided, single submitter. Criteria: ACMG Guidelines, 2015. Collection method: clinical testing. Allele origin: germline.

Labcorp Genetics (formerly Invitae), Labcorp
Classification: Uncertain significance for Spastic paraplegia. Last evaluated: 2022-08-20. Review status: criteria provided, single submitter. Criteria: Invitae Variant Classification Sherloc (09022015). Collection method: clinical testing. Allele origin: germline.
Comment: This sequence change replaces cysteine, which is neutral and slightly polar, with tyrosine, which is neutral and polar, at codon 34 of the CYP7B1 protein (p.Cys34Tyr). This variant is present in population databases (no rsID available, gnomAD 0.02%). This variant has not been reported in the literature in individuals affected with CYP7B1-related conditions. ClinVar contains an entry for this variant (Variation ID: 595793). Algorithms developed to predict the effect of missense changes on protein structure and function output the following: SIFT: "Tolerated"; PolyPhen-2: "Benign"; Align-GVGD: "Class C0". The tyrosine amino acid residue is found in multiple mammalian species, which suggests that this missense change does not adversely affect protein function. In summary, the available evidence is currently insufficient to determine the role of this variant in disease. Therefore, it has been classified as a Variant of Uncertain Significance.

Victorian Clinical Genetics Services, Murdoch Childrens Research Institute
Classification: Uncertain significance for Hereditary spastic paraplegia 5A. Last evaluated: 2019-08-28. Review status: criteria provided, single submitter. Criteria: ACMG Guidelines, 2015. Collection method: clinical testing. Allele origin: germline. Inheritance: Autosomal recessive inheritance. Affected: yes.
Comment: A heterozygous missense variant was identified, NM_004820.4(CYP7B1):c.101G>A in exon 1 of 6 of the CYP7B1 gene. This substitution is predicted to create a major amino acid change from a cysteine to a tyrosine at position 34 of the protein, NP_004811.1(CYP7B1):p.(Cys34Tyr). The cysteine at this position has low conservation (100 vertebrates, UCSC), and is located within the transmembrane domain of the protein. In silico software predicts this variant to be benign (Polyphen, SIFT, CADD, Mutation Taster). The variant is present in the gnomAD population database at a frequency of 0.0086% (12 heterozygotes, 0 homozygotes). An alternative residue change at the same location has been reported in the gnomAD database at a frequency of 0.00092%. The variant has previously been reported as a VUS in a clinical case (ClinVar). Based on information available at the time of curation, this variant has been classified as a VARIANT of UNCERTAIN SIGNIFICANCE (VUS) with LOW CLINICAL RELEVANCE.

Eurofins Ntd Llc (ga)
Classification: Uncertain significance. Last evaluated: 2018-01-22. Review status: criteria provided, single submitter. Criteria: EGL Classification Definitions 2015. Collection method: clinical testing. Allele origin: germline. Observed: 1 variant allele, 1 heterozygote.

NM_004820.5(CYP7B1):c.101G>A (p.Cys34Tyr)

Gene: CYP7B1 (cytochrome P450 family 7 subfamily B member 1; minus strand). Cytogenetic location: 8q12.3.
Variant type: single nucleotide variant.
Coding change: c.101G>A on transcript NM_004820.5 (MANE Select); coding-DNA position 101, G replaced by A.
Protein change: p.Cys34Tyr; replaces cysteine 34 with tyrosine.
Molecular consequence: missense variant.
Genome position (GRCh38, 1-based): chr8:64,798,487, C>T on the plus strand (G>A on the coding strand, the complement: CYP7B1 is on the minus strand). VCF-style: chr8-64798487-C-T. GRCh37 (hg19) VCF-style: chr8-65711044-C-T.
Other names: c.101G>A (NM_004820.3); c.101G>A, p.Cys34Tyr (NM_001324112.2); short protein forms C34Y.
Identifiers: ClinVar variation 595793 (VCV000595793.16), dbSNP rs1031580133, ClinGen allele CA179061868.